The following is an entry in ClinVar:

NM_138694.4(PKHD1):c.8196A>G (p.Ser2732=)

Gene: PKHD1 (PKHD1 ciliary IPT domain containing fibrocystin/polyductin; minus strand). Cytogenetic location: 6p12.2.
Variant type: single nucleotide variant.
Coding change: c.8196A>G on transcript NM_138694.4 (MANE Select); coding-DNA position 8196, A replaced by G.
Protein change: p.Ser2732=; no amino-acid change (serine 2732 retained).
Molecular consequence: synonymous variant.
Genome position (GRCh38, 1-based): chr6:51,830,967, T>C on the plus strand (A>G on the coding strand, the complement: PKHD1 is on the minus strand). VCF-style: chr6-51830967-T-C. GRCh37 (hg19) VCF-style: chr6-51695765-T-C.
Other names: c.8196A>G, p.Ser2732= (NM_170724.3); c.8196A>G (NM_138694.3).
Identifiers: ClinVar variation 1612248 (VCV001612248.9), dbSNP rs773285582, ClinGen allele CA3851698.

ClinVar aggregate classification (germline): Likely benign. Review status: criteria provided, multiple submitters, no conflicts (2 of 4 stars). 2 submissions from 2 submitters: Likely benign (2). Last evaluated 2025-02-12.

Conditions:
Autosomal recessive polycystic kidney disease (ARPKD). Also called: AR polycystic kidney disease. Identifiers: Orphanet 731, Orphanet 8378, MedGen C0085548, MeSH D017044, MONDO:0009889.
PKHD1-related disorder. Also called: PKHD1-related condition.

Allele frequency attached by ClinVar (database versions not stated): gnomAD exomes below 0.00001; ExAC 0.00001.

Submissions (2):

PreventionGenetics, part of Exact Sciences
Classification: Likely benign for PKHD1-related condition. Last evaluated: 2025-02-12. Review status: criteria provided, single submitter. Criteria: ACMG Guidelines, 2015. Collection method: clinical testing. Allele origin: germline.
Comment: This variant is classified as likely benign based on ACMG/AMP sequence variant interpretation guidelines (Richards et al. 2015 PMID: 25741868, with internal and published modifications).

Labcorp Genetics (formerly Invitae), Labcorp
Classification: Likely benign for Autosomal recessive polycystic kidney disease. Last evaluated: 2023-02-04. Review status: criteria provided, single submitter. Criteria: Invitae Variant Classification Sherloc (09022015). Collection method: clinical testing. Allele origin: germline.